The following is an entry in ClinVar:

NM_001114753.3(ENG):c.218C>T (p.Thr73Met)

Gene: ENG (endoglin; minus strand). Cytogenetic location: 9q34.11.
Variant type: single nucleotide variant.
Coding change: c.218C>T on transcript NM_001114753.3 (MANE Select); coding-DNA position 218, C replaced by T.
Protein change: p.Thr73Met; replaces threonine 73 with methionine.
Molecular consequence: missense variant. On other transcripts: 5 prime UTR variant (1).
Genome position (GRCh38, 1-based): chr9:127,843,095, G>A on the plus strand (C>T on the coding strand, the complement: ENG is on the minus strand). VCF-style: chr9-127843095-G-A. GRCh37 (hg19) VCF-style: chr9-130605374-G-A.
Other names: c.218C>T, p.Thr73Met (NM_000118.4, NM_001406715.1); c.-329C>T (NM_001278138.2); short protein forms T73M.
Identifiers: ClinVar variation 1144264 (VCV001144264.16), dbSNP rs200960408, ClinGen allele CA5253210.

ClinVar aggregate classification (germline): Likely benign. Review status: criteria provided, multiple submitters, no conflicts (2 of 4 stars). 3 submissions from 3 submitters: Likely benign (3). Last evaluated 2026-02-01.

Conditions:
Hereditary hemorrhagic telangiectasia (HHT). Also called: Osler hemorrhagic telangiectasia syndrome; ORW DISEASE; Osler Weber Rendu syndrome; OSLER-RENDU-WEBER DISEASE. Identifiers: Orphanet 774, MedGen C0039445, MONDO:0019180. Disease mechanism: loss of function.
Cardiovascular phenotype. Identifiers: MedGen CN230736.

Allele frequency attached by ClinVar (database versions not stated): gnomAD 0.00005 and 0.00006; TOPMed 0.00006; ExAC 0.00008; gnomAD exomes 0.00011; 1000 Genomes Project 30x 0.00047; 1000 Genomes Project 0.00060.
gnomAD v4.1: 101 of 1,613,990 alleles (0.0063%); highest among the groups gnomAD compares: Middle Eastern, 0.067%; no homozygotes.

Submissions (3):

CeGaT Center for Human Genetics Tuebingen
Classification: Likely benign. Last evaluated: 2026-02-01. Review status: criteria provided, single submitter. Criteria: CeGaT Center For Human Genetics Tuebingen Variant Classification Criteria Version 2. Collection method: clinical testing. Allele origin: germline. Affected: yes. Observed: 1 variant allele.
Comment: ENG: BP4

Labcorp Genetics (formerly Invitae), Labcorp
Classification: Likely benign for Hereditary hemorrhagic telangiectasia. Last evaluated: 2025-10-01. Review status: criteria provided, single submitter. Criteria: Invitae Variant Classification Sherloc (09022015). Collection method: clinical testing. Allele origin: germline.

Ambry Genetics
Classification: Likely benign for Cardiovascular phenotype. Last evaluated: 2016-11-30. Review status: criteria provided, single submitter. Criteria: Ambry Variant Classification Scheme 2023. Collection method: clinical testing. Allele origin: germline.

Literature cited by the submitters: PubMed 25312062 (cited by Ambry Genetics).